The following is an entry in ClinVar:

ClinVar aggregate classification (germline): Pathogenic (0 of 4 stars; one submission).

Conditions:
Steinert myotonic dystrophy syndrome (DM1). Also called: STEINERT DISEASE; Myotonic dystrophy type 1; Dystrophia myotonica type 1; Steinert myotonic dystrophy; Steinert's disease. Identifiers: Orphanet 273, MedGen C3250443, MONDO:0008056, OMIM 160900.

Submission:

Institute of Molecular, Cell and Systems Biology, University of Glasgow
Classification: Pathogenic for Steinert myotonic dystrophy syndrome. Review status: no assertion criteria provided. Criteria: research. Collection method: research. Allele origin: germline. Inheritance: Autosomal dominant inheritance. Affected: yes. Observed: 1 heterozygote.
Comment: DMPK CTG repeat expansions greater than approximately 45-50 repeats are assumed to be pathogenic

This record is based on data published in PubMed 25052313, which reports only ClinVar accessions SCV000120188 and SCV000120189. The complete data set includes SCV000207445 - SCV000207579.

Literature cited by the submitters: PubMed 1346923; PubMed 1546326; PubMed 25052313.

NM_004409.5(DMPK):c.*224CTG[721]

Genes: DM1-AS (DM1 locus antisense RNA; plus strand), DMPK (DM1 protein kinase; minus strand), LOC107075317 (origin of replication in DMPK trinucleotide repeat region; plus strand), LOC109461477 (dystrophia myotonica protein kinase repeat instability region; plus strand). Cytogenetic location: 19q13.32.
Variant type: Microsatellite.
Coding change: c.*224CTG[721] on transcript NM_004409.5 (MANE Select); 721 copies in a row of the 3-base unit CTG starting at c.*224.
Molecular consequence: 3 prime UTR variant.
Genome position: GRCh38, VCF-style position (the base before the change): chr19:45,770,204. GRCh37 (hg19), VCF-style position (the base before the change): chr19:46,273,462.
Other names: DM1 CTG repeat expansion; c.*369CTG[721] (NM_001424164.1, NM_001288766.2, NM_001424168.1); c.*217CTG[721] (NM_001424162.1, NM_001424163.1, NM_001424166.1 and 2 more transcripts); c.*224CTG[721] (NM_001424165.1, NM_001424169.1, NM_001081560.3 and 1 more transcripts); c.*222_*224TGC[721] (NM_001081563.3).
Identifiers: ClinVar variation 188025 (VCV000188025.1), ClinGen allele CA915951853.